The following is an entry in ClinVar:

NM_000642.3(AGL):c.3316G>A (p.Ala1106Thr)

Gene: AGL (amylo-alpha-1,6-glucosidase and 4-alpha-glucanotransferase; plus strand). Cytogenetic location: 1p21.2.
Variant type: single nucleotide variant.
Coding change: c.3316G>A on transcript NM_000642.3 (MANE Select); coding-DNA position 3316, G replaced by A.
Protein change: p.Ala1106Thr; replaces alanine 1106 with threonine.
Molecular consequence: missense variant.
Genome position (GRCh38, 1-based): chr1:99,896,342, G>A. VCF-style: chr1-99896342-G-A. GRCh37 (hg19) VCF-style: chr1-100361898-G-A.
Other names: c.3316G>A, p.Ala1106Thr (NM_000028.3, NM_000643.3, NM_000644.3 and 1 more transcripts); c.3268G>A, p.Ala1090Thr (NM_000646.3); c.3295G>A, p.Ala1099Thr (NM_001425326.1); c.3115G>A, p.Ala1039Thr (NM_001425327.1); c.3112G>A, p.Ala1038Thr (NM_001425328.1); c.2977G>A, p.Ala993Thr (NM_001425329.1); c.2938G>A, p.Ala980Thr (NM_001425332.1); short protein forms A1090T, A1106T, A1038T, A1039T, A1099T, A980T, A993T.
Identifiers: ClinVar variation 950153 (VCV000950153.8), dbSNP rs753449391, ClinGen allele CA967046.

ClinVar aggregate classification (germline): Uncertain significance (1 of 4 stars; one submission).

Conditions:
Glycogen storage disease type III (GSD3). Also called: Cori disease; FORBES DISEASE. Identifiers: Orphanet 366, MedGen C0017922, MONDO:0009291, OMIM 232400.

Allele frequency attached by ClinVar (database versions not stated): gnomAD exomes below 0.00001 and 0.00001; ExAC 0.00002.
gnomAD v4.1: 2 of 1,613,960 alleles (0.00012%); highest among the groups gnomAD compares: Non-Finnish European, 0.00017%; no homozygotes.

Submission:

Labcorp Genetics (formerly Invitae), Labcorp
Classification: Uncertain significance for Glycogen storage disease type III. Last evaluated: 2025-10-20. Review status: criteria provided, single submitter. Criteria: Invitae Variant Classification Sherloc (09022015). Collection method: clinical testing. Allele origin: germline.
Comment: This sequence change replaces alanine, which is neutral and non-polar, with threonine, which is neutral and polar, at codon 1106 of the AGL protein (p.Ala1106Thr). This variant is present in population databases (rs753449391, gnomAD 0.0009%). This variant has not been reported in the literature in individuals affected with AGL-related conditions. ClinVar contains an entry for this variant (Variation ID: 950153). Invitae Evidence Modeling of protein sequence and biophysical properties (such as structural, functional, and spatial information, amino acid conservation, physicochemical variation, residue mobility, and thermodynamic stability) indicates that this missense variant is expected to disrupt AGL protein function with a positive predictive value of 80%. In summary, the available evidence is currently insufficient to determine the role of this variant in disease. Therefore, it has been classified as a Variant of Uncertain Significance.